The following is an entry in ClinVar:

NM_003579.4(RAD54L):c.1702G>T (p.Val568Phe)

Gene: RAD54L (RAD54 like; plus strand). Cytogenetic location: 1p34.1.
Variant type: single nucleotide variant.
Coding change: c.1702G>T on transcript NM_003579.4 (MANE Select); coding-DNA position 1702, G replaced by T.
Protein change: p.Val568Phe; replaces valine 568 with phenylalanine.
Molecular consequence: missense variant.
Genome position (GRCh38, 1-based): chr1:46,274,550, G>T. VCF-style: chr1-46274550-G-T. GRCh37 (hg19) VCF-style: chr1-46740222-G-T.
Other names: c.1702G>T, p.Val568Phe (NM_001142548.2); c.1162G>T, p.Val388Phe (NM_001370766.1); short protein forms V568F, V388F.
Identifiers: ClinVar variation 2447815 (VCV002447815.2), dbSNP rs1241595900, ClinGen allele CA340184080.

ClinVar aggregate classification (germline): Uncertain significance (1 of 4 stars; one submission).

Allele frequency attached by ClinVar (database versions not stated): TOPMed below 0.00001.

Submission:

Ambry Genetics
Classification: Uncertain significance. Last evaluated: 2023-02-27. Review status: criteria provided, single submitter. Criteria: Ambry Variant Classification Scheme 2023. Collection method: clinical testing. Allele origin: germline.
Comment: The p.V568F variant (also known as c.1702G>T), located in coding exon 16 of the RAD54L gene, results from a G to T substitution at nucleotide position 1702. The valine at codon 568 is replaced by phenylalanine, an amino acid with highly similar properties. This amino acid position is conserved. In addition, the in silico prediction for this alteration is inconclusive. Since supporting evidence is limited at this time, the clinical significance of this alteration remains unclear.